The following is an entry in ClinVar:

ClinVar aggregate classification (germline): Likely pathogenic (1 of 4 stars; one submission).

Conditions:
LCT-related disorder. Also called: LCT-related condition.

Submission:

PreventionGenetics, part of Exact Sciences
Classification: Likely pathogenic for LCT-related condition. Last evaluated: 2022-10-11. Review status: criteria provided, single submitter. Criteria: ACMG Guidelines, 2015. Collection method: clinical testing. Allele origin: germline.
Comment: The LCT c.805-1G>T variant is predicted to disrupt the AG splice acceptor site and interfere with normal splicing. To our knowledge, this variant has not been reported in the literature or in a large population database, indicating this variant is rare. Variants that disrupt the consensus splice acceptor site in LCT are expected to be pathogenic. This variant is interpreted as likely pathogenic.

NM_002299.4(LCT):c.805-1G>T

Gene: LCT (lactase; minus strand). Cytogenetic location: 2q21.3.
Variant type: single nucleotide variant.
Coding change: c.805-1G>T on transcript NM_002299.4 (MANE Select); the canonical splice acceptor site of the intron before coding-DNA position 805, G replaced by T.
Molecular consequence: splice acceptor variant.
Genome position (GRCh38, 1-based): chr2:135,824,004, C>A on the plus strand (G>T on the coding strand, the complement: LCT is on the minus strand). VCF-style: chr2-135824004-C-A. GRCh37 (hg19) VCF-style: chr2-136581574-C-A.
Identifiers: ClinVar variation 2629361 (VCV002629361.1), dbSNP rs2467240516, ClinGen allele CA348608506.